The following is an entry in ClinVar:

ClinVar aggregate classification (germline): Uncertain significance. Review status: criteria provided, multiple submitters, no conflicts (2 of 4 stars). 3 submissions from 3 submitters: Uncertain significance (3). Last evaluated 2026-07-08.

Conditions:
Landau-Kleffner syndrome (FESD). Also called: APHASIA, ACQUIRED, WITH EPILEPSY; EPILEPSY, FOCAL, WITH SPEECH DISORDER AND WITH OR WITHOUT MENTAL RETARDATION. Identifiers: Orphanet 1945, Orphanet 725, Orphanet 98818, MedGen C0282512, MONDO:0009509, OMIM 245570.
Inborn genetic diseases. Identifiers: MedGen C0950123, MeSH D030342.

Submissions (3):

Ambry Genetics
Classification: Uncertain significance for Inborn genetic diseases. Last evaluated: 2026-07-08. Review status: criteria provided, single submitter. Criteria: Ambry Variant Classification Scheme 2023. Collection method: clinical testing. Allele origin: germline.

Labcorp Genetics (formerly Invitae), Labcorp
Classification: Uncertain significance for Landau-Kleffner syndrome. Last evaluated: 2024-05-07. Review status: criteria provided, single submitter. Criteria: Invitae Variant Classification Sherloc (09022015). Collection method: clinical testing. Allele origin: germline.
Comment: This sequence change replaces serine, which is neutral and polar, with glycine, which is neutral and non-polar, at codon 1327 of the GRIN2A protein (p.Ser1327Gly). This variant is not present in population databases (gnomAD no frequency). This missense change has been observed in individual(s) with clinical features of developmental and epileptic encephalopathy (Invitae). Advanced modeling of protein sequence and biophysical properties (such as structural, functional, and spatial information, amino acid conservation, physicochemical variation, residue mobility, and thermodynamic stability) performed at Invitae indicates that this missense variant is not expected to disrupt GRIN2A protein function with a negative predictive value of 95%. In summary, the available evidence is currently insufficient to determine the role of this variant in disease. Therefore, it has been classified as a Variant of Uncertain Significance.

Baylor Genetics
Classification: Uncertain significance for Landau-Kleffner syndrome. Last evaluated: 2023-10-03. Review status: criteria provided, single submitter. Criteria: ACMG Guidelines, 2015. Collection method: clinical testing. Allele origin: unknown.

NM_001134407.3(GRIN2A):c.3979A>G (p.Ser1327Gly)

Gene: GRIN2A (glutamate ionotropic receptor NMDA type subunit 2A; minus strand). Cytogenetic location: 16p13.2.
Variant type: single nucleotide variant.
Coding change: c.3979A>G on transcript NM_001134407.3 (MANE Select); coding-DNA position 3979, A replaced by G.
Protein change: p.Ser1327Gly; replaces serine 1327 with glycine.
Molecular consequence: missense variant. On other transcripts: intron variant (1).
Genome position (GRCh38, 1-based): chr16:9,763,565, T>C on the plus strand (A>G on the coding strand, the complement: GRIN2A is on the minus strand). VCF-style: chr16-9763565-T-C. GRCh37 (hg19) VCF-style: chr16-9857422-T-C.
Other names: c.3979A>G, p.Ser1327Gly (NM_000833.5); c.3773-137A>G (NM_001134408.2); c.3979A>G (NM_000833.3); short protein forms S1327G.
Identifiers: ClinVar variation 2671962 (VCV002671962.4), dbSNP rs2141127877, ClinGen allele CA394706433.